The following is an entry in ClinVar:

ClinVar aggregate classification (germline): Likely pathogenic (1 of 4 stars; one submission).

Conditions:
Autosomal recessive nonsyndromic hearing loss 77. Identifiers: Orphanet 90636, MedGen C2746083, MONDO:0013119, OMIM 613079.

Submission:

MVZ Medizinische Genetik Mainz
Classification: Likely pathogenic for Autosomal recessive nonsyndromic hearing loss 77. Last evaluated: 2021-10-14. Review status: criteria provided, single submitter. Criteria: UK Practice Guidelines For Variant Classification V4 01 2020. Collection method: clinical testing. Allele origin: germline. Inheritance: Autosomal recessive inheritance. Affected: yes. Observed: 1 variant allele.
Comment: ACMG Criteria: PVS1, PM2_SUP; Compound Heterozygote

NM_001384474.1(LOXHD1):c.4354_4357del (p.Lys1451_Glu1452insTer)

Gene: LOXHD1 (lipoxygenase homology PLAT domains 1; minus strand). Cytogenetic location: 18q21.1.
Variant type: Deletion.
Coding change: c.4354_4357del on transcript NM_001384474.1 (MANE Select); coding-DNA positions 4354 to 4357, 4 bases deleted (GAAG; older notation c.4354_4357delGAAG).
Protein change: p.Lys1451_Glu1452insTer.
Molecular consequence: nonsense.
Genome position (GRCh38, 1-based): chr18:46,533,180-46,533,183, CTTC deleted on the plus strand (GAAG on the coding strand, the reverse complement: LOXHD1 is on the minus strand); deleting any 4 consecutive bases within chr18:46,533,180-46,533,186 gives the same sequence; the c. name uses the placement nearest the transcript's 3' end. VCF-style (leftmost placement, unchanged base first): chr18-46533179-ACTTC-A. GRCh37 (hg19) VCF-style: chr18-44113142-ACTTC-A.
Other names: c.1021_1024del, p.Lys340_Glu341insTer (NM_001145472.3); c.733_736del, p.Lys244_Glu245insTer (NM_001308013.2); c.4354_4357del, p.Lys1451_Glu1452insTer (NM_144612.7).
Identifiers: ClinVar variation 3234037 (VCV003234037.1), dbSNP rs2511660862, ClinGen allele CA2825002688.
Genomic context (GRCh38, chr18:46,533,179, plus strand): 5'-TGGAGCCTTCCCATGGTGATGAGGGTGGCCACACCACACTTACTGTCCAGAGGCTCTTCT[ACTTC>A]CTTGTAGACTTGCCGTAAGGACCCATCTTTCATGTATTTCTCAGTGAAGATGTCATATGG-3'